The following is an entry in ClinVar:

ClinVar aggregate classification (germline): Uncertain significance. Review status: criteria provided, multiple submitters, no conflicts (2 of 4 stars). 3 submissions from 3 submitters: Uncertain significance (3). Last evaluated 2024-10-09.

Conditions:
Cardiovascular phenotype. Identifiers: MedGen CN230736.
Myofibrillar myopathy 4. Also called: Zaspopathy (type). Identifiers: Orphanet 98912, MedGen C4721886, MONDO:0012277, OMIM 609452.

Allele frequency attached by ClinVar (database versions not stated): gnomAD 0.00001 and 0.00003; gnomAD exomes 0.00001 and 0.00002; TOPMed 0.00001; ExAC 0.00002; ESP Exome Variant Server 0.00008; 1000 Genomes Project 0.00020; 1000 Genomes Project 30x 0.00031.
gnomAD v4.1: 18 of 1,614,178 alleles (0.0011%); highest among the groups gnomAD compares: Admixed American, 0.0083%; no homozygotes.

Submissions (3):

Labcorp Genetics (formerly Invitae), Labcorp
Classification: Uncertain significance for Myofibrillar myopathy 4. Last evaluated: 2024-10-09. Review status: criteria provided, single submitter. Criteria: Invitae Variant Classification Sherloc (09022015). Collection method: clinical testing. Allele origin: germline.
Comment: This sequence change replaces arginine, which is basic and polar, with cysteine, which is neutral and slightly polar, at codon 226 of the LDB3 protein (p.Arg226Cys). This variant is present in population databases (rs141116920, gnomAD 0.01%). This variant has not been reported in the literature in individuals affected with LDB3-related conditions. ClinVar contains an entry for this variant (Variation ID: 1356732). An algorithm developed to predict the effect of missense changes on protein structure and function (PolyPhen-2) suggests that this variant is likely to be disruptive. In summary, the available evidence is currently insufficient to determine the role of this variant in disease. Therefore, it has been classified as a Variant of Uncertain Significance.

Ambry Genetics
Classification: Uncertain significance for Cardiovascular phenotype. Last evaluated: 2023-06-05. Review status: criteria provided, single submitter. Criteria: Ambry Variant Classification Scheme 2023. Collection method: clinical testing. Allele origin: germline.
Comment: The p.R273C variant (also known as c.817C>T), located in coding exon 5 of the LDB3 gene, results from a C to T substitution at nucleotide position 817. The arginine at codon 273 is replaced by cysteine, an amino acid with highly dissimilar properties. This amino acid position is not well conserved in available vertebrate species. In addition, the in silico prediction for this alteration is inconclusive. Since supporting evidence is limited at this time, the clinical significance of this alteration remains unclear.

Mayo Clinic Laboratories, Mayo Clinic
Classification: Uncertain significance. Last evaluated: 2023-01-26. Review status: criteria provided, single submitter. Criteria: ACMG Guidelines, 2015. Collection method: clinical testing. Allele origin: germline. Observed: 1 variant allele.
Comment: BS2

NM_007078.3(LDB3):c.817C>T (p.Arg273Cys)

Gene: LDB3 (LIM domain binding 3; plus strand). Cytogenetic location: 10q23.2.
Variant type: single nucleotide variant.
Coding change: c.817C>T on transcript NM_007078.3 (MANE Select); coding-DNA position 817, C replaced by T.
Protein change: p.Arg273Cys; replaces arginine 273 with cysteine.
Molecular consequence: missense variant.
Genome position (GRCh38, 1-based): chr10:86,692,023, C>T. VCF-style: chr10-86692023-C-T. GRCh37 (hg19) VCF-style: chr10-88451780-C-T.
Other names: p.Arg226Cys; c.676C>T, p.Arg226Cys (NM_001080114.2, NM_001080116.1, NM_001368066.1 and 2 more transcripts); c.817C>T, p.Arg273Cys (NM_001080115.2, NM_001368063.1, NM_001368064.1 and 1 more transcripts); c.1021C>T, p.Arg341Cys (NM_001171610.2, NM_001171611.2); short protein forms R273C, R341C, R226C.
Identifiers: ClinVar variation 1356732 (VCV001356732.10), dbSNP rs141116920, ClinGen allele CA5584896.
Genomic context (GRCh38, chr10:86,692,023, plus strand): 5'-CAGAACAAGCCAGAAGATGAGGCTGACGAGTGGGCACGCCGTTCCTCCAACCTGCAGTCT[C>T]GCTCCTTCCGCATCCTGGCCCAGATGACGGGGACAGAATTCAGTGAGTGCAGGCTCTCAG-3'
Protein context (NP_009009.1, residues 263-283): WARRSSNLQS[Arg273Cys]SFRILAQMTG